The following is an entry in ClinVar:

NM_014425.5(INVS):c.1653C>T (p.Ile551=)

Gene: INVS (inversin; plus strand). Cytogenetic location: 9q31.1.
Variant type: single nucleotide variant.
Coding change: c.1653C>T on transcript NM_014425.5 (MANE Select); coding-DNA position 1653, C replaced by T.
Protein change: p.Ile551=; no amino-acid change (isoleucine 551 retained).
Molecular consequence: synonymous variant. On other transcripts: non-coding transcript variant (1).
Genome position (GRCh38, 1-based): chr9:100,272,945, C>T. VCF-style: chr9-100272945-C-T. GRCh37 (hg19) VCF-style: chr9-103035227-C-T.
Other names: c.1653C>T (NM_014425.4); c.1365C>T, p.Ile455= (NM_001318381.2); c.675C>T, p.Ile225= (NM_001318382.2).
Identifiers: ClinVar variation 1622881 (VCV001622881.11), dbSNP rs781357714, ClinGen allele CA5158458.

ClinVar aggregate classification (germline): Likely benign. Review status: criteria provided, multiple submitters, no conflicts (2 of 4 stars). 3 submissions from 3 submitters: Likely benign (2). 1 of the submissions does not count toward it. Last evaluated 2024-12-16.

Conditions:
INVS-related disorder. Also called: INVS-related condition.
Nephronophthisis. Also called: Juvenile Nephronophthisis. Identifiers: Orphanet 655, MedGen C0687120, MONDO:0019005, HP:0000090.

Allele frequency attached by ClinVar (database versions not stated): gnomAD exomes 0.00002 and 0.00004; gnomAD 0.00003 and 0.00004; ExAC 0.00005; TOPMed 0.00005.
gnomAD v4.1: 31 of 1,613,962 alleles (0.0019%); highest among the groups gnomAD compares: East Asian, 0.013%; no homozygotes.

Submissions (3):

Labcorp Genetics (formerly Invitae), Labcorp
Classification: Likely benign for Nephronophthisis. Last evaluated: 2024-12-16. Review status: criteria provided, single submitter. Criteria: Invitae Variant Classification Sherloc (09022015). Collection method: clinical testing. Allele origin: germline.

Breakthrough Genomics
Classification: Likely benign. Review status: criteria provided, single submitter. Criteria: ACMG Guidelines, 2015. Collection method: not provided. Allele origin: germline. Inheritance: Autosomal recessive inheritance. Affected: yes.

PreventionGenetics, part of Exact Sciences
Classification: Likely benign for INVS-related condition. Last evaluated: 2019-09-17. Review status: no assertion criteria provided. Collection method: clinical testing. Allele origin: germline. Not counted in ClinVar's aggregate classification.
Comment: This variant is classified as likely benign based on ACMG/AMP sequence variant interpretation guidelines (Richards et al. 2015 PMID: 25741868, with internal and published modifications).